The following is an entry in ClinVar:

NM_000059.4(BRCA2):c.743C>A (p.Ala248Asp)

Gene: BRCA2 (BRCA2 DNA repair associated; plus strand). Cytogenetic location: 13q13.1.
Variant type: single nucleotide variant.
Coding change: c.743C>A on transcript NM_000059.4 (MANE Select); coding-DNA position 743, C replaced by A.
Protein change: p.Ala248Asp; replaces alanine 248 with aspartic acid.
Molecular consequence: missense variant. On other transcripts: non-coding transcript variant (1).
Genome position (GRCh38, 1-based): chr13:32,330,980, C>A. VCF-style: chr13-32330980-C-A. GRCh37 (hg19) VCF-style: chr13-32905117-C-A.
Other names: c.743C>A, p.Ala248Asp (NM_001406719.1, NM_001406720.1, NM_001406721.1 and 1 more transcripts); c.374C>A, p.Ala125Asp (NM_001406722.1); short protein forms A125D, A248D.
Identifiers: ClinVar variation 4215932 (VCV004215932.1).

ClinVar aggregate classification (germline): Uncertain significance (1 of 4 stars; one submission).

Conditions:
Hereditary cancer-predisposing syndrome. Also called: Hereditary Cancer Syndrome; Hereditary neoplastic syndrome; Neoplastic Syndromes, Hereditary; Tumor predisposition. Identifiers: Orphanet 140162, MedGen C0027672, MeSH D009386, MONDO:0015356.

Submission:

Ambry Genetics
Classification: Uncertain significance for Hereditary cancer-predisposing syndrome. Last evaluated: 2025-09-03. Review status: criteria provided, single submitter. Criteria: Ambry Variant Classification Scheme 2023. Collection method: clinical testing. Allele origin: germline.
Comment: The p.A248D variant (also known as c.743C>A), located in coding exon 8 of the BRCA2 gene, results from a C to A substitution at nucleotide position 743. The alanine at codon 248 is replaced by aspartic acid, an amino acid with dissimilar properties. This amino acid position is poorly conserved in available vertebrate species. In addition, this alteration is predicted to be tolerated by in silico analysis. Based on the available evidence, the clinical significance of this variant remains unclear.